The following is an entry in ClinVar:

ClinVar aggregate classification (germline): Uncertain significance (1 of 4 stars; one submission).

Conditions:
Neuronopathy, distal hereditary motor, type 7A. Also called: HARPER-YOUNG MYOPATHY; HMN VIIA; SPINAL MUSCULAR ATROPHY, DISTAL, WITH VOCAL CORD PARALYSIS; Neuronopathy, distal hereditary motor, type viia; NEURONOPATHY, DISTAL HEREDITARY MOTOR, HARDING TYPE VIIA; NEUROPATHY, DISTAL HEREDITARY MOTOR, HARDING TYPE VIIA. Identifiers: Orphanet 139589, MedGen C1834703, MONDO:0008024, OMIM 158580.
Congenital myasthenic syndrome 20. Also called: Myasthenic syndrome, congenital, 20, presynaptic. Identifiers: MedGen C4310694, MONDO:0014939, OMIM 617143.

Allele frequency attached by ClinVar (database versions not stated): ExAC 0.00002.
gnomAD v4.1: 7 of 1,613,890 alleles (0.00043%); highest among the groups gnomAD compares: Non-Finnish European, 0.00059%; no homozygotes.

Submission:

Labcorp Genetics (formerly Invitae), Labcorp
Classification: Uncertain significance for Neuronopathy, distal hereditary motor, type 7A; Congenital myasthenic syndrome 20. Last evaluated: 2025-08-24. Review status: criteria provided, single submitter. Criteria: Invitae Variant Classification Sherloc (09022015). Collection method: clinical testing. Allele origin: germline.
Comment: This sequence change replaces glycine, which is neutral and non-polar, with glutamic acid, which is acidic and polar, at codon 429 of the SLC5A7 protein (p.Gly429Glu). This variant is present in population databases (rs774267102, gnomAD 0.006%). This variant has not been reported in the literature in individuals affected with SLC5A7-related conditions. ClinVar contains an entry for this variant (Variation ID: 2927342). Invitae Evidence Modeling of protein sequence and biophysical properties (such as structural, functional, and spatial information, amino acid conservation, physicochemical variation, residue mobility, and thermodynamic stability) indicates that this missense variant is not expected to disrupt SLC5A7 protein function with a negative predictive value of 80%. In summary, the available evidence is currently insufficient to determine the role of this variant in disease. Therefore, it has been classified as a Variant of Uncertain Significance.

NM_021815.5(SLC5A7):c.1286G>A (p.Gly429Glu)

Gene: SLC5A7 (solute carrier family 5 member 7; plus strand). Cytogenetic location: 2q12.3.
Variant type: single nucleotide variant.
Coding change: c.1286G>A on transcript NM_021815.5 (MANE Select); coding-DNA position 1286, G replaced by A.
Protein change: p.Gly429Glu; replaces glycine 429 with glutamic acid.
Molecular consequence: missense variant.
Genome position (GRCh38, 1-based): chr2:108,010,404, G>A. VCF-style: chr2-108010404-G-A. GRCh37 (hg19) VCF-style: chr2-108626860-G-A.
Other names: c.1286G>A, p.Gly429Glu (NM_001305005.3); c.971G>A, p.Gly324Glu (NM_001305006.3); c.545G>A, p.Gly182Glu (NM_001305007.3); short protein forms G429E, G182E, G324E.
Identifiers: ClinVar variation 2927342 (VCV002927342.3), dbSNP rs774267102, ClinGen allele CA1819157.
Genomic context (GRCh38, chr2:108,010,404, plus strand): 5'-GTTCTGACCTTGTTTACATCGTTATCTTCCCCCAGCTGCTTTGTGTACTCTTTGTTAAGG[G>A]AACCAACACCTATGGGGCCGTGGCAGGTTATGTTTCTGGCCTCTTCCTGAGAATAACTGG-3'
Protein context (NP_068587.1, residues 419-439): PQLLCVLFVK[Gly429Glu]TNTYGAVAGY